The following is an entry in ClinVar:

ClinVar aggregate classification (germline): Uncertain significance. Review status: criteria provided, multiple submitters, no conflicts (2 of 4 stars). 3 submissions from 3 submitters: Uncertain significance (3). Last evaluated 2026-08-31.

Conditions:
TOPORS-related disorder. Also called: TOPORS-related condition.
Inborn genetic diseases. Identifiers: MedGen C0950123, MeSH D030342.

Allele frequency attached by ClinVar (database versions not stated): gnomAD 0.00001.
gnomAD v4.1: 6 of 1,613,864 alleles (0.00037%); highest among the groups gnomAD compares: South Asian, 0.0033%; no homozygotes.

Submissions (3):

PreventionGenetics, part of Exact Sciences
Classification: Uncertain significance for TOPORS-related condition. Last evaluated: 2026-08-31. Review status: criteria provided, single submitter. Criteria: ACMG Guidelines, 2015. Collection method: clinical testing. Allele origin: germline.
Comment: The TOPORS c.2144G>A variant is predicted to result in the amino acid substitution p.Gly715Glu. To our knowledge, this variant has not been reported in the literature. This variant is reported in 0.0054% of alleles in individuals of East Asian descent in gnomAD. At this time, the clinical significance of this variant is uncertain due to the absence of conclusive functional and genetic evidence.

Labcorp Genetics (formerly Invitae), Labcorp
Classification: Uncertain significance. Last evaluated: 2023-11-18. Review status: criteria provided, single submitter. Criteria: Invitae Variant Classification Sherloc (09022015). Collection method: clinical testing. Allele origin: germline.
Comment: This sequence change replaces glycine, which is neutral and non-polar, with glutamic acid, which is acidic and polar, at codon 715 of the TOPORS protein (p.Gly715Glu). This variant is present in population databases (rs773111756, gnomAD 0.006%). This variant has not been reported in the literature in individuals affected with TOPORS-related conditions. ClinVar contains an entry for this variant (Variation ID: 2551894). Experimental studies and prediction algorithms are not available or were not evaluated, and the functional significance of this variant is currently unknown. In summary, the available evidence is currently insufficient to determine the role of this variant in disease. Therefore, it has been classified as a Variant of Uncertain Significance.

Ambry Genetics
Classification: Uncertain significance for Inborn genetic diseases. Last evaluated: 2023-05-24. Review status: criteria provided, single submitter. Criteria: Ambry Variant Classification Scheme 2023. Collection method: clinical testing. Allele origin: germline.

NM_005802.5(TOPORS):c.2144G>A (p.Gly715Glu)

Gene: TOPORS (TOP1 binding arginine/serine rich protein, E3 ubiquitin ligase; minus strand). Cytogenetic location: 9p21.1.
Variant type: single nucleotide variant.
Coding change: c.2144G>A on transcript NM_005802.5 (MANE Select); coding-DNA position 2144, G replaced by A.
Protein change: p.Gly715Glu; replaces glycine 715 with glutamic acid.
Molecular consequence: missense variant.
Genome position (GRCh38, 1-based): chr9:32,542,381, C>T on the plus strand (G>A on the coding strand, the complement: TOPORS is on the minus strand). VCF-style: chr9-32542381-C-T. GRCh37 (hg19) VCF-style: chr9-32542379-C-T.
Other names: c.1949G>A, p.Gly650Glu (NM_001195622.2); short protein forms G650E, G715E.
Identifiers: ClinVar variation 2551894 (VCV002551894.6), dbSNP rs773111756, ClinGen allele CA5020411.